The following is an entry in ClinVar:

ClinVar aggregate classification (germline): Uncertain significance (1 of 4 stars; one submission).

Conditions:
Arginine:glycine amidinotransferase deficiency (CCDS3). Also called: L-Arginine:Glycine Amidinotransferase (AGAT) Deficiency; Creatine deficiency syndrome due to AGAT deficiency; GATM deficiency; Cerebral creatine deficiency syndrome 3; AGAT deficiency; L-Arginine:Glycine Amidinotransferase Deficiency. Identifiers: Orphanet 35704, MedGen C2675179, MONDO:0012996, OMIM 612718.

Allele frequency attached by ClinVar (database versions not stated): TOPMed below 0.00001.

Submission:

Labcorp Genetics (formerly Invitae), Labcorp
Classification: Uncertain significance for Arginine:glycine amidinotransferase deficiency. Last evaluated: 2024-11-26. Review status: criteria provided, single submitter. Criteria: Invitae Variant Classification Sherloc (09022015). Collection method: clinical testing. Allele origin: germline.
Comment: This sequence change replaces asparagine, which is neutral and polar, with lysine, which is basic and polar, at codon 132 of the GATM protein (p.Asn132Lys). This variant is not present in population databases (gnomAD no frequency). This variant has not been reported in the literature in individuals affected with GATM-related conditions. ClinVar contains an entry for this variant (Variation ID: 1468680). Invitae Evidence Modeling of protein sequence and biophysical properties (such as structural, functional, and spatial information, amino acid conservation, physicochemical variation, residue mobility, and thermodynamic stability) indicates that this missense variant is not expected to disrupt GATM protein function with a negative predictive value of 95%. In summary, the available evidence is currently insufficient to determine the role of this variant in disease. Therefore, it has been classified as a Variant of Uncertain Significance.

NM_001482.3(GATM):c.396T>G (p.Asn132Lys)

Gene: GATM (glycine amidinotransferase; minus strand). Cytogenetic location: 15q21.1.
Variant type: single nucleotide variant.
Coding change: c.396T>G on transcript NM_001482.3 (MANE Select); coding-DNA position 396, T replaced by G.
Protein change: p.Asn132Lys; replaces asparagine 132 with lysine.
Molecular consequence: missense variant.
Genome position (GRCh38, 1-based): chr15:45,369,414, A>C on the plus strand (T>G on the coding strand, the complement: GATM is on the minus strand). VCF-style: chr15-45369414-A-C. GRCh37 (hg19) VCF-style: chr15-45661612-A-C.
Other names: c.9T>G, p.Asn3Lys (NM_001321015.2); short protein forms N3K, N132K.
Identifiers: ClinVar variation 1468680 (VCV001468680.6), dbSNP rs1454154614, ClinGen allele CA392261783.
Genomic context (GRCh38, chr15:45,369,414, plus strand): 5'-CTTCAATGACCAGTCAATGGGGTCAGGCCTCCTTACTGTCACTCCTTCCGTTTTTAAAAT[A>C]TTGCACATTTCTTCAATTTCAGCAACAGCCTTTTTCAAATGATCTTTGGGAAAATAATGC-3'
Protein context (NP_001473.1, residues 122-142): KAVAEIEEMC[Asn132Lys]ILKTEGVTVR